The following is an entry in ClinVar:

ClinVar aggregate classification (germline): Uncertain significance (1 of 4 stars; one submission).

Conditions:
Congenital disorder of glycosylation (CDG). Also called: Congenital disorders of glycosylation; Carbohydrate-deficient glycoprotein syndrome. Identifiers: Orphanet 137, MedGen C0282577, MONDO:0015286.

Allele frequency attached by ClinVar (database versions not stated): gnomAD 0.00001; gnomAD exomes 0.00001; TOPMed 0.00002.
gnomAD v4.1: 14 of 1,613,894 alleles (0.00087%); highest among the groups gnomAD compares: East Asian, 0.0045%; no homozygotes.

Submission:

Labcorp Genetics (formerly Invitae), Labcorp
Classification: Uncertain significance for Congenital disorder of glycosylation. Last evaluated: 2023-12-18. Review status: criteria provided, single submitter. Criteria: Invitae Variant Classification Sherloc (09022015). Collection method: clinical testing. Allele origin: germline.
Comment: This sequence change replaces arginine, which is basic and polar, with glutamine, which is neutral and polar, at codon 437 of the RPN2 protein (p.Arg437Gln). This variant is present in population databases (no rsID available, gnomAD 0.003%). This variant has not been reported in the literature in individuals affected with RPN2-related conditions. ClinVar contains an entry for this variant (Variation ID: 1979714). An algorithm developed to predict the effect of missense changes on protein structure and function (PolyPhen-2) suggests that this variant is likely to be disruptive. In summary, the available evidence is currently insufficient to determine the role of this variant in disease. Therefore, it has been classified as a Variant of Uncertain Significance.

NM_002951.5(RPN2):c.1310G>A (p.Arg437Gln)

Gene: RPN2 (ribophorin II; plus strand). Cytogenetic location: 20q11.23.
Variant type: single nucleotide variant.
Coding change: c.1310G>A on transcript NM_002951.5 (MANE Select); coding-DNA position 1310, G replaced by A.
Protein change: p.Arg437Gln; replaces arginine 437 with glutamine.
Molecular consequence: missense variant.
Genome position (GRCh38, 1-based): chr20:37,228,560, G>A. VCF-style: chr20-37228560-G-A. GRCh37 (hg19) VCF-style: chr20-35856963-G-A.
Other names: c.1214G>A, p.Arg405Gln (NM_001135771.3); c.1310G>A, p.Arg437Gln (NM_001324299.2, NM_001324302.2, NM_001324303.2 and 1 more transcripts); c.1358G>A, p.Arg453Gln (NM_001324301.2, NM_001324305.2); c.839G>A, p.Arg280Gln (NM_001324306.2); short protein forms R280Q, R437Q, R453Q, R405Q.
Identifiers: ClinVar variation 1979714 (VCV001979714.4), dbSNP rs952779995, ClinGen allele CA314320660.